The following is an entry in ClinVar:

NM_021728.4(OTX2):c.182T>G (p.Leu61Arg)

Gene: OTX2 (orthodenticle homeobox 2; minus strand). Cytogenetic location: 14q22.3.
Variant type: single nucleotide variant.
Coding change: c.182T>G on transcript NM_021728.4 (MANE Select); coding-DNA position 182, T replaced by G.
Protein change: p.Leu61Arg; replaces leucine 61 with arginine.
Molecular consequence: missense variant.
Genome position (GRCh38, 1-based): chr14:56,804,279, A>C on the plus strand (T>G on the coding strand, the complement: OTX2 is on the minus strand). VCF-style: chr14-56804279-A-C. GRCh37 (hg19) VCF-style: chr14-57270997-A-C.
Other names: c.158T>G, p.Leu53Arg (NM_001270523.2, NM_001270524.2, NM_172337.3); c.182T>G, p.Leu61Arg (NM_001270525.2); short protein forms L53R, L61R.
Identifiers: ClinVar variation 1303782 (VCV001303782.3), dbSNP rs2139534100, ClinGen allele CA390052436.

ClinVar aggregate classification (germline): Uncertain significance (1 of 4 stars; one submission).

Submission:

GeneDx
Classification: Uncertain significance. Last evaluated: 2025-04-01. Review status: criteria provided, single submitter. Criteria: GeneDx Variant Classification Process June 2021. Collection method: clinical testing. Allele origin: germline. Affected: yes.
Comment: In silico analysis supports that this missense variant has a deleterious effect on protein structure/function; Not observed at significant frequency in large population cohorts (gnomAD); This variant is associated with the following publications: (PMID: Patel_Abstract_2019)